The following is an entry in ClinVar:

ClinVar aggregate classification (germline): Pathogenic. Review status: criteria provided, multiple submitters, no conflicts (2 of 4 stars). 2 submissions from 2 submitters: Pathogenic (2). Last evaluated 2026-01-21.

Conditions:
Juvenile polyposis syndrome (JPS). Identifiers: Orphanet 2929, MedGen C0345893, MONDO:0017380, OMIM 174900.
Hereditary cancer-predisposing syndrome. Also called: Neoplastic Syndromes, Hereditary; Tumor predisposition; Hereditary neoplastic syndrome; Hereditary Cancer Syndrome. Identifiers: Orphanet 140162, MedGen C0027672, MeSH D009386, MONDO:0015356.

Submissions (2):

Ambry Genetics
Classification: Pathogenic for Hereditary cancer-predisposing syndrome. Last evaluated: 2026-01-21. Review status: criteria provided, single submitter. Criteria: Ambry Variant Classification Scheme 2023. Collection method: clinical testing. Allele origin: germline.
Comment: The c.917_920dupATTT pathogenic mutation, located in coding exon 8 of the BMPR1A gene, results from a duplication of ATTT at nucleotide position 917, causing a translational frameshift with a predicted alternate stop codon (p.I308Ffs*4). This variant was reported in individual(s) with features consistent with BMPR1A-related juvenile polyposis syndrome (Ambry internal data). This variant is considered to be rare based on population cohorts in the Genome Aggregation Database (gnomAD). This variant is expected to result in loss of function by premature protein truncation or nonsense-mediated mRNA decay. As such, this variant is interpreted as a disease-causing mutation.

Labcorp Genetics (formerly Invitae), Labcorp
Classification: Pathogenic for Juvenile polyposis syndrome. Last evaluated: 2023-08-02. Review status: criteria provided, single submitter. Criteria: Invitae Variant Classification Sherloc (09022015). Collection method: clinical testing. Allele origin: germline.
Comment: For these reasons, this variant has been classified as Pathogenic. ClinVar contains an entry for this variant (Variation ID: 411629). This variant has not been reported in the literature in individuals affected with BMPR1A-related conditions. This variant is not present in population databases (gnomAD no frequency). This sequence change creates a premature translational stop signal (p.Ile308Phefs*4) in the BMPR1A gene. It is expected to result in an absent or disrupted protein product. Loss-of-function variants in BMPR1A are known to be pathogenic (PMID: 11536076, 12417513).

Literature cited by the submitters: PubMed 11536076 (cited by Labcorp Genetics (formerly Invitae), Labcorp); PubMed 12417513 (cited by Labcorp Genetics (formerly Invitae), Labcorp).

NM_004329.3(BMPR1A):c.917_920dup (p.Ile308fs)

Gene: BMPR1A (bone morphogenetic protein receptor type 1A; plus strand). Cytogenetic location: 10q23.2.
Variant type: Duplication.
Coding change: c.917_920dup on transcript NM_004329.3 (MANE Select); coding-DNA positions 917 to 920, 4 bases duplicated (ATTT; older notation c.917_920dupATTT).
Protein change: p.Ile308fs; shifts the reading frame from isoleucine 308.
Molecular consequence: frameshift variant.
Genome position (GRCh38, 1-based): chr10:86,919,220-86,919,223, ATTT duplicated; duplicating any 4 consecutive bases within chr10:86,919,219-86,919,223 gives the same sequence; the c. name uses the placement nearest the transcript's 3' end. VCF-style (leftmost placement, unchanged base first): chr10-86919218-C-CTATT. GRCh37 (hg19) VCF-style: chr10-88678975-C-CTATT.
Other names: c.917_920dupATTT (NM_004329.2); short protein forms I308fs.
Identifiers: ClinVar variation 411629 (VCV000411629.9), dbSNP rs1554891032, ClinGen allele CA16613203.